The following is an entry in ClinVar:

ClinVar aggregate classification (germline): Uncertain significance (1 of 4 stars; one submission).

Submission:

GeneDx
Classification: Uncertain significance. Last evaluated: 2023-05-26. Review status: criteria provided, single submitter. Criteria: GeneDx Variant Classification Process June 2021. Collection method: clinical testing. Allele origin: germline. Affected: yes.
Comment: Not observed at significant frequency in large population cohorts (gnomAD); In silico analysis supports that this missense variant does not alter protein structure/function; Has not been previously published as pathogenic or benign to our knowledge

NM_001368397.1(FRMPD4):c.2582G>T (p.Cys861Phe)

Gene: FRMPD4 (FERM and PDZ domain containing 4; plus strand). Cytogenetic location: Xp22.2.
Variant type: single nucleotide variant.
Coding change: c.2582G>T on transcript NM_001368397.1 (MANE Select); coding-DNA position 2582, G replaced by T.
Protein change: p.Cys861Phe; replaces cysteine 861 with phenylalanine.
Molecular consequence: missense variant.
Genome position (GRCh38, 1-based): chrX:12,717,041, G>T. VCF-style: chrX-12717041-G-T. GRCh37 (hg19) VCF-style: chrX-12735160-G-T.
Other names: c.2693G>T, p.Cys898Phe (NM_001368395.3, NM_001368398.3); c.2588G>T, p.Cys863Phe (NM_001368396.3); c.2573G>T, p.Cys858Phe (NM_001368399.3); c.2462G>T, p.Cys821Phe (NM_001368400.3); c.2558G>T, p.Cys853Phe (NM_001368401.1, NM_001368402.3); c.2582G>T, p.Cys861Phe (NM_014728.3); short protein forms C821F, C853F, C858F, C861F, C863F, C898F.
Identifiers: ClinVar variation 3359326 (VCV003359326.1).
Genomic context (GRCh38, chrX:12,717,041, plus strand): 5'-AAAATGATGAGATCCCCGTGTCCCTCATTGACGCTGTGCCCACCAGCGCCGAAGGCAAGT[G>T]TGAGAAGGGACTGGATAATGCCGTCGTCTCCACGCTGGGAGCTCTAGAGGCTCTATCCGT-3'
Protein context (NP_001355326.1, residues 851-871): DAVPTSAEGK[Cys861Phe]EKGLDNAVVS